The following is an entry in ClinVar:

ClinVar aggregate classification (germline): Uncertain significance. Review status: criteria provided, multiple submitters, no conflicts (2 of 4 stars). 4 submissions from 4 submitters: Uncertain significance (3). 1 of the submissions does not count toward it. Last evaluated 2025-11-07.

Conditions:
Hereditary cancer-predisposing syndrome. Also called: Hereditary Cancer Syndrome; Hereditary neoplastic syndrome; Neoplastic Syndromes, Hereditary; Tumor predisposition. Identifiers: Orphanet 140162, MedGen C0027672, MeSH D009386, MONDO:0015356.
Bloom syndrome (BLM). Also called: Bloom-Torre-Machacek syndrome. Identifiers: Orphanet 125, MedGen C0005859, MONDO:0008876, OMIM 210900.

gnomAD v4.1: 17 of 1,606,164 alleles (0.0011%); highest among the groups gnomAD compares: Admixed American, 0.027%; no homozygotes.

Submissions (4):

Ambry Genetics
Classification: Uncertain significance for Hereditary cancer-predisposing syndrome. Last evaluated: 2025-11-07. Review status: criteria provided, single submitter. Criteria: Ambry Variant Classification Scheme 2023. Collection method: clinical testing. Allele origin: germline.

Labcorp Genetics (formerly Invitae), Labcorp
Classification: Uncertain significance for Bloom syndrome. Last evaluated: 2025-01-08. Review status: criteria provided, single submitter. Criteria: Invitae Variant Classification Sherloc (09022015). Collection method: clinical testing. Allele origin: germline.
Comment: This sequence change replaces asparagine, which is neutral and polar, with isoleucine, which is neutral and non-polar, at codon 1021 of the BLM protein (p.Asn1021Ile). This variant is present in population databases (rs369629509, gnomAD 0.05%). This variant has not been reported in the literature in individuals affected with BLM-related conditions. ClinVar contains an entry for this variant (Variation ID: 454127). Invitae Evidence Modeling of protein sequence and biophysical properties (such as structural, functional, and spatial information, amino acid conservation, physicochemical variation, residue mobility, and thermodynamic stability) indicates that this missense variant is expected to disrupt BLM protein function with a positive predictive value of 80%. In summary, the available evidence is currently insufficient to determine the role of this variant in disease. Therefore, it has been classified as a Variant of Uncertain Significance.

Quest Diagnostics Nichols Institute San Juan Capistrano
Classification: Uncertain significance. Last evaluated: 2022-09-21. Review status: criteria provided, single submitter. Criteria: Quest Diagnostics criteria. Collection method: clinical testing. Allele origin: unknown.
Comment: The variant has not been reported in the published literature. The frequency of this variant in the general population, 0.00047 (16/33938 chromosomes), is uninformative in assessment of its pathogenicity. Analysis of this variant using bioinformatics tools for the prediction of the effect of amino acid changes on protein structure and function yielded predictions that this variant is damaging. Based on the available information, we are unable to determine the clinical significance of this variant.

Natera, Inc.
Classification: Uncertain significance for Bloom syndrome. Last evaluated: 2018-12-17. Review status: no assertion criteria provided. Collection method: clinical testing. Allele origin: germline. Not counted in ClinVar's aggregate classification.

NM_000057.4(BLM):c.3062A>T (p.Asn1021Ile)

Gene: BLM (BLM RecQ like helicase; plus strand). Cytogenetic location: 15q26.1.
Variant type: single nucleotide variant.
Coding change: c.3062A>T on transcript NM_000057.4 (MANE Select); coding-DNA position 3062, A replaced by T.
Protein change: p.Asn1021Ile; replaces asparagine 1021 with isoleucine.
Molecular consequence: missense variant.
Genome position (GRCh38, 1-based): chr15:90,794,209, A>T. VCF-style: chr15-90794209-A-T. GRCh37 (hg19) VCF-style: chr15-91337439-A-T.
Other names: c.3062A>T, p.Asn1021Ile (NM_001287246.2, NM_001287247.2); c.1937A>T, p.Asn646Ile (NM_001287248.2); c.3062A>T (NM_000057.2); short protein forms N1021I, N646I.
Identifiers: ClinVar variation 454127 (VCV000454127.15), dbSNP rs369629509, ClinGen allele CA7738936.